The following is an entry in ClinVar:

NM_000051.4(ATM):c.2683C>A (p.Leu895Ile)

Gene: ATM (ATM serine/threonine kinase; plus strand). Cytogenetic location: 11q22.3.
Variant type: single nucleotide variant.
Coding change: c.2683C>A on transcript NM_000051.4 (MANE Select); coding-DNA position 2683, C replaced by A.
Protein change: p.Leu895Ile; replaces leucine 895 with isoleucine.
Molecular consequence: missense variant.
Genome position (GRCh38, 1-based): chr11:108,268,454, C>A. VCF-style: chr11-108268454-C-A. GRCh37 (hg19) VCF-style: chr11-108139181-C-A.
Other names: c.2683C>A, p.Leu895Ile (NM_001351834.2); short protein forms L895I.
Identifiers: ClinVar variation 524337 (VCV000524337.11), dbSNP rs1299030225, ClinGen allele CA382545154.
Genomic context (GRCh38, chr11:108,268,454, plus strand): 5'-TGCTTTTTATTTTTAGGTGCCATTAATCCTTTAGCTGAAGAATATCTGTCAAAGCAAGAT[C>A]TACTTTTCTTAGACATGCTCAAGTTCTTGTGTTTGTGTGTAACTACTGCTCAGACCAATA-3'
Protein context (NP_000042.3, residues 885-905): LAEEYLSKQD[Leu895Ile]LFLDMLKFLC

ClinVar aggregate classification (germline): Uncertain significance. Review status: criteria provided, multiple submitters, no conflicts (2 of 4 stars). 3 submissions from 3 submitters: Uncertain significance (3). Last evaluated 2025-03-19.

Conditions:
Familial cancer of breast. Also called: hereditary breast carcinoma; BREAST CANCER, FAMILIAL; Hereditary breast cancer. Identifiers: Orphanet 227535, MedGen C0346153, MONDO:0016419, OMIM 114480. Disease mechanism: loss of function.
Hereditary cancer-predisposing syndrome. Also called: Neoplastic Syndromes, Hereditary; Tumor predisposition; Hereditary Cancer Syndrome; Hereditary neoplastic syndrome. Identifiers: Orphanet 140162, MedGen C0027672, MeSH D009386, MONDO:0015356.
Ataxia-telangiectasia syndrome (AT). Also called: ATAXIA-TELANGIECTASIA, COMPLEMENTATION GROUP A; ATAXIA-TELANGIECTASIA, FRESNO VARIANT; Ataxia-telangiectasia; Ataxia-telangiectasia, complementation group D; AT, COMPLEMENTATION GROUP C; Ataxia-telangiectasia, complementation group E. Identifiers: Orphanet 100, MedGen C0004135, MONDO:0008840, OMIM 208900.

Submissions (3):

Labcorp Genetics (formerly Invitae), Labcorp
Classification: Uncertain significance for Ataxia-telangiectasia syndrome. Last evaluated: 2025-03-19. Review status: criteria provided, single submitter. Criteria: Invitae Variant Classification Sherloc (09022015). Collection method: clinical testing. Allele origin: germline.
Comment: This sequence change replaces leucine, which is neutral and non-polar, with isoleucine, which is neutral and non-polar, at codon 895 of the ATM protein (p.Leu895Ile). This variant is not present in population databases (gnomAD no frequency). This variant has not been reported in the literature in individuals affected with ATM-related conditions. ClinVar contains an entry for this variant (Variation ID: 524337). Invitae Evidence Modeling of protein sequence and biophysical properties (such as structural, functional, and spatial information, amino acid conservation, physicochemical variation, residue mobility, and thermodynamic stability) indicates that this missense variant is not expected to disrupt ATM protein function with a negative predictive value of 95%. In summary, the available evidence is currently insufficient to determine the role of this variant in disease. Therefore, it has been classified as a Variant of Uncertain Significance.

Department of Human Genetics, Hannover Medical School
Classification: Uncertain significance for Familial cancer of breast. Last evaluated: 2024-08-28. Review status: criteria provided, single submitter. Criteria: ACMG Guidelines, 2015. Collection method: clinical testing. Allele origin: germline. Inheritance: Autosomal dominant inheritance. Affected: yes.

Ambry Genetics
Classification: Uncertain significance for Hereditary cancer-predisposing syndrome. Last evaluated: 2021-03-02. Review status: criteria provided, single submitter. Criteria: Ambry Variant Classification Scheme 2023. Collection method: clinical testing. Allele origin: germline.
Comment: The p.L895I variant (also known as c.2683C>A), located in coding exon 17 of the ATM gene, results from a C to A substitution at nucleotide position 2683. The leucine at codon 895 is replaced by isoleucine, an amino acid with highly similar properties. This amino acid position is not well conserved in available vertebrate species. In addition, this alteration is predicted to be tolerated by in silico analysis. Since supporting evidence is limited at this time, the clinical significance of this alteration remains unclear.